The following is an entry in ClinVar:

ClinVar aggregate classification (germline): Likely benign. Review status: criteria provided, multiple submitters, no conflicts (2 of 4 stars). 2 submissions from 2 submitters: Likely benign (2). Last evaluated 2025-02-14.

Conditions:
Breast-ovarian cancer, familial, susceptibility to, 3. Also called: RAD51C-Related Breast/Ovarian Cancer. Identifiers: Orphanet 145, MedGen C3150659, MONDO:0013253, OMIM 613399.

Submissions (2):

Myriad Genetics, Inc.
Classification: Likely benign for Breast-ovarian cancer, familial, susceptibility to, 3. Last evaluated: 2025-02-14. Review status: criteria provided, single submitter. Criteria: Myriad Autosomal Dominant, Autosomal Recessive and X-Linked Classification Criteria (2023). Collection method: clinical testing. Allele origin: unknown.
Comment: This variant is considered likely benign. This variant is intronic and is not expected to impact mRNA splicing.

GeneDx
Classification: Likely benign. Last evaluated: 2016-11-30. Review status: criteria provided, single submitter. Criteria: GeneDx Variant Classification (06012015). Collection method: clinical testing. Allele origin: germline. Affected: yes.
Comment: This variant is considered likely benign or benign based on one or more of the following criteria: it is a conservative change, it occurs at a poorly conserved position in the protein, it is predicted to be benign by multiple in silico algorithms, and/or has population frequency not consistent with disease.

NM_058216.3(RAD51C):c.146-17del

Gene: RAD51C (RAD51 paralog C; plus strand). Cytogenetic location: 17q22.
Variant type: Deletion.
Coding change: c.146-17del on transcript NM_058216.3 (MANE Select); 17 bases into the intron before coding-DNA position 146, one base deleted (T; older notation c.146-17delT).
Molecular consequence: intron variant.
Genome position (GRCh38, 1-based): chr17:58,694,914, T deleted; the last of 7 consecutive T bases (chr17:58,694,908-58,694,914); deleting any one gives the same sequence. VCF-style (leftmost placement, unchanged base first): chr17-58694907-CT-C. GRCh37 (hg19) VCF-style: chr17-56772268-CT-C.
Other names: c.146-17delT (NM_058216.1); c.146-17del (NM_002876.4).
Identifiers: ClinVar variation 421274 (VCV000421274.2), dbSNP rs765887202, ClinGen allele CA8677171.